The following is an entry in ClinVar:

NM_198253.3(TERT):c.817G>A (p.Val273Met)

Gene: TERT (telomerase reverse transcriptase; minus strand). Cytogenetic location: 5p15.33.
Variant type: single nucleotide variant.
Coding change: c.817G>A on transcript NM_198253.3 (MANE Select); coding-DNA position 817, G replaced by A.
Protein change: p.Val273Met; replaces valine 273 with methionine.
Molecular consequence: missense variant. On other transcripts: non-coding transcript variant (2).
Genome position (GRCh38, 1-based): chr5:1,294,069, C>T on the plus strand (G>A on the coding strand, the complement: TERT is on the minus strand). VCF-style: chr5-1294069-C-T. GRCh37 (hg19) VCF-style: chr5-1294184-C-T.
Other names: c.817G>A, p.Val273Met (NM_001193376.3, NM_003219.1); short protein forms V273M.
Identifiers: ClinVar variation 1762311 (VCV001762311.8), dbSNP rs1419875176, ClinGen allele CA359056656.

ClinVar aggregate classification (germline): Uncertain significance. Review status: criteria provided, multiple submitters, no conflicts (2 of 4 stars). 2 submissions from 2 submitters: Uncertain significance (2). Last evaluated 2025-06-17.

Conditions:
Idiopathic Pulmonary Fibrosis. Also called: Idiopathic fibrosing alveolitis, chronic form; idiopathic fibrosing alveolitis. Identifiers: Orphanet 2032, MedGen C1800706, MeSH D054990, MONDO:0800504.
Dyskeratosis congenita, autosomal dominant 2. Identifiers: MedGen C3151443, MONDO:0013521, OMIM 613989.
Dyskeratosis congenita. Identifiers: Orphanet 1775, MedGen C0265965, MONDO:0015780.

Allele frequency attached by ClinVar (database versions not stated): TOPMed below 0.00001.

Submissions (2):

Ambry Genetics
Classification: Uncertain significance for Dyskeratosis congenita. Last evaluated: 2025-06-17. Review status: criteria provided, single submitter. Criteria: Ambry Variant Classification Scheme 2023. Collection method: clinical testing. Allele origin: germline.
Comment: The p.V273M variant (also known as c.817G>A), located in coding exon 2 of the TERT gene, results from a G to A substitution at nucleotide position 817. The valine at codon 273 is replaced by methionine, an amino acid with highly similar properties. This amino acid position is well conserved in available vertebrate species. In addition, this alteration is predicted to be tolerated by in silico analysis. Based on the available evidence, the clinical significance of this variant remains unclear.

Labcorp Genetics (formerly Invitae), Labcorp
Classification: Uncertain significance for Dyskeratosis congenita, autosomal dominant 2; Idiopathic Pulmonary Fibrosis. Last evaluated: 2023-11-15. Review status: criteria provided, single submitter. Criteria: Invitae Variant Classification Sherloc (09022015). Collection method: clinical testing. Allele origin: germline.
Comment: This sequence change replaces valine, which is neutral and non-polar, with methionine, which is neutral and non-polar, at codon 273 of the TERT protein (p.Val273Met). This variant is not present in population databases (gnomAD no frequency). This variant has not been reported in the literature in individuals affected with TERT-related conditions. ClinVar contains an entry for this variant (Variation ID: 1762311). Algorithms developed to predict the effect of missense changes on protein structure and function output the following: SIFT: "Not Available"; PolyPhen-2: "Benign"; Align-GVGD: "Not Available". The methionine amino acid residue is found in multiple mammalian species, which suggests that this missense change does not adversely affect protein function. In summary, the available evidence is currently insufficient to determine the role of this variant in disease. Therefore, it has been classified as a Variant of Uncertain Significance.